The following is an entry in ClinVar:

ClinVar aggregate classification (germline): Uncertain significance (1 of 4 stars; one submission).

Conditions:
Primary ciliary dyskinesia. Also called: Ciliary dyskinesia. Identifiers: Orphanet 244, MedGen C0008780, MONDO:0016575, HP:0012265.

Allele frequency attached by ClinVar (database versions not stated): TOPMed below 0.00001; gnomAD 0.00001.
gnomAD v4.1: 1 of 1,547,850 alleles (0.000065%); highest among the groups gnomAD compares: African/African-American, 0.0014%; no homozygotes.

Submission:

Labcorp Genetics (formerly Invitae), Labcorp
Classification: Uncertain significance for Primary ciliary dyskinesia. Last evaluated: 2023-10-04. Review status: criteria provided, single submitter. Criteria: Invitae Variant Classification Sherloc (09022015). Collection method: clinical testing. Allele origin: germline.
Comment: This sequence change replaces proline, which is neutral and non-polar, with arginine, which is basic and polar, at codon 339 of the DNAAF5 protein (p.Pro339Arg). This variant is not present in population databases (gnomAD no frequency). This variant has not been reported in the literature in individuals affected with DNAAF5-related conditions. Advanced modeling of protein sequence and biophysical properties (such as structural, functional, and spatial information, amino acid conservation, physicochemical variation, residue mobility, and thermodynamic stability) performed at Invitae indicates that this missense variant is expected to disrupt DNAAF5 protein function. In summary, the available evidence is currently insufficient to determine the role of this variant in disease. Therefore, it has been classified as a Variant of Uncertain Significance.

NM_017802.4(DNAAF5):c.1016C>G (p.Pro339Arg)

Gene: DNAAF5 (dynein axonemal assembly factor 5; plus strand). Cytogenetic location: 7p22.3.
Variant type: single nucleotide variant.
Coding change: c.1016C>G on transcript NM_017802.4 (MANE Select); coding-DNA position 1016, C replaced by G.
Protein change: p.Pro339Arg; replaces proline 339 with arginine.
Molecular consequence: missense variant. On other transcripts: non-coding transcript variant (1).
Genome position (GRCh38, 1-based): chr7:741,457, C>G. VCF-style: chr7-741457-C-G. GRCh37 (hg19) VCF-style: chr7-781094-C-G.
Other names: short protein forms P339R.
Identifiers: ClinVar variation 2913017 (VCV002913017.3), dbSNP rs1781909318, ClinGen allele CA366534668.